The following is an entry in ClinVar:

NM_000110.4(DPYD):c.1651G>A (p.Ala551Thr)

Gene: DPYD (dihydropyrimidine dehydrogenase; minus strand). Cytogenetic location: 1p21.3.
Variant type: single nucleotide variant.
Coding change: c.1651G>A on transcript NM_000110.4 (MANE Select); coding-DNA position 1651, G replaced by A.
Protein change: p.Ala551Thr; replaces alanine 551 with threonine.
Molecular consequence: missense variant.
Genome position (GRCh38, 1-based): chr1:97,515,815, C>T on the plus strand (G>A on the coding strand, the complement: DPYD is on the minus strand). VCF-style: chr1-97515815-C-T. GRCh37 (hg19) VCF-style: chr1-97981371-C-T.
Other names: short protein forms A551T.
Identifiers: ClinVar variation 298287 (VCV000298287.15), dbSNP rs777425216, ClinGen allele CA963284.

ClinVar aggregate classification (germline): Conflicting classifications of pathogenicity. Review status: criteria provided, conflicting classifications (1 of 4 stars). 6 submissions from 6 submitters: Likely pathogenic (4); Uncertain significance (1). 1 of the submissions does not count toward it. Last evaluated 2025-10-20.

Conditions:
DPYD-related disorder. Also called: DPYD-related condition.
Dihydropyrimidine dehydrogenase deficiency (DPYDD). Also called: Hereditary Thymine-Uraciluria; DPD DEFICIENCY; DPYD DEFICIENCY. Identifiers: Orphanet 1675, MedGen C1959620, MONDO:0010130, OMIM 274270.

Allele frequency attached by ClinVar (database versions not stated): gnomAD 0.00004 and 0.00005; TOPMed 0.00005.
gnomAD v4.1: 125 of 1,612,844 alleles (0.0078%); highest among the groups gnomAD compares: South Asian, 0.068%; no homozygotes.

Submissions (6):

Women's Health and Genetics/Laboratory Corporation of America, LabCorp
Classification: Likely pathogenic for Dihydropyrimidine dehydrogenase deficiency. Last evaluated: 2025-10-20. Review status: criteria provided, single submitter. Criteria: LabCorp Variant Classification Summary - May 2015. Collection method: clinical testing. Allele origin: germline.
Comment: Variant summary: DPYD c.1651G>A (p.Ala551Thr) results in a non-conservative amino acid change located in the Dihydroorotate dehydrogenase domain (IPR005720) of the encoded protein sequence. Algorithms developed to predict the effect of missense changes on protein structure and function all suggest that this variant is likely to be disruptive. The variant allele was found at a frequency of 0.00012 in 250566 control chromosomes. This frequency is not significantly higher than estimated for disease-causing variants in DPYD, allowing no conclusion about variant significance. c.1651G>A has been reported as a homozygous genotype in at-least three individuals affected with Dihydropyrimidine Dehydrogenase Deficiency confirmed by supportive biochemical findings demonstrating an accumulation of Thymine and Uracil. (example, Van Kuilenburg_2005, Chen_2014). These data indicate that the variant is very likely to be associated with disease. The Dutch Pharmacogenetics Working Group (DPWG) guideline for the genedrug interaction of DPYD and fluoropyrimidines lists this variant among those that may be fully dysfunctional but lack sufficient evidence to associate a predicted DPYD enzyme activity and the onset of severe fluoropyrimidine-induced toxicity (Lunenburg_2020). To our knowledge, no experimental evidence demonstrating an impact on protein function has been reported. The following publications have been ascertained in the context of this evaluation (PMID: 31745289, 25565930, 15899693). ClinVar contains an entry for this variant (Variation ID: 298287). Based on the evidence outlined above, the variant was classified as likely pathogenic.

GeneDx
Classification: Uncertain significance. Last evaluated: 2025-10-01. Review status: criteria provided, single submitter. Criteria: GeneDx Variant Classification Process June 2021. Collection method: clinical testing. Allele origin: germline. Affected: yes.
Comment: In silico analysis supports that this missense variant has a deleterious effect on protein structure/function; This variant is associated with the following publications: (PMID: 25565930, 15899693, 19287123, 26265035, 20920994, 33805100, 31486228, 24647007, 31159795, 31745289)

Baylor Genetics
Classification: Likely pathogenic for Dihydropyrimidine dehydrogenase deficiency. Last evaluated: 2023-11-22. Review status: criteria provided, single submitter. Criteria: ACMG Guidelines, 2015. Collection method: clinical testing. Allele origin: unknown.

PreventionGenetics, part of Exact Sciences
Classification: Likely pathogenic for DPYD-related condition. Last evaluated: 2022-11-21. Review status: criteria provided, single submitter. Criteria: ACMG Guidelines, 2015. Collection method: clinical testing. Allele origin: germline.
Comment: The DPYD c.1651G>A variant is predicted to result in the amino acid substitution p.Ala551Thr. This variant was reported homozygous in two siblings with Dihydropyrimidine dehydrogenase deficiency (Chen BC et al 2014. PubMed ID: 25565930). Both siblings showed excessive excretion of uracil and thymine. This variant is reported in 0.072% of alleles in individuals of South Asian descent in gnomAD. This variant is interpreted as likely pathogenic.

Juno Genomics, Hangzhou Juno Genomics, Inc
Classification: Likely pathogenic for Dihydropyrimidine dehydrogenase deficiency. Review status: criteria provided, single submitter. Criteria: ACMG Guidelines, 2015. Collection method: clinical testing. Allele origin: germline.
Comment: Absent from controls (or at extremely low frequency if recessive) in Genome Aggregation Database.;Multiple lines of computational evidence support a deleterious effect on the gene or gene product.;For recessive disorders, detected in trans with a pathogenic variant.;Co-segregation with disease in multiple affected family members.;Patient's phenotype or family history is highly specific for a disease with a single genetic etiology.

Counsyl
Classification: Uncertain significance for Dihydropyrimidine dehydrogenase deficiency. Last evaluated: 2017-12-06. Review status: no assertion criteria provided. Collection method: clinical testing. Allele origin: unknown. Not counted in ClinVar's aggregate classification.

Literature cited by the submitters: PubMed 31745289 (cited by Women's Health and Genetics/Laboratory Corporation of America, LabCorp); PubMed 25565930 (cited by Women's Health and Genetics/Laboratory Corporation of America, LabCorp and Counsyl); PubMed 15899693 (cited by Women's Health and Genetics/Laboratory Corporation of America, LabCorp and Counsyl).